The following is an entry in ClinVar:

NM_001098.3(ACO2):c.626G>A (p.Gly209Glu)

Gene: ACO2 (aconitase 2; plus strand). Cytogenetic location: 22q13.2.
Variant type: single nucleotide variant.
Coding change: c.626G>A on transcript NM_001098.3 (MANE Select); coding-DNA position 626, G replaced by A.
Protein change: p.Gly209Glu; replaces glycine 209 with glutamic acid.
Molecular consequence: missense variant.
Genome position (GRCh38, 1-based): chr22:41,515,477, G>A. VCF-style: chr22-41515477-G-A. GRCh37 (hg19) VCF-style: chr22-41911481-G-A.
Other names: short protein forms G209E.
Identifiers: ClinVar variation 2001761 (VCV002001761.4), dbSNP rs2518222325, ClinGen allele CA411718177.
Genomic context (GRCh38, chr22:41,515,477, plus strand): 5'-TTGGCACTGACTCCCACACCCCCAATGGTGGCGGCCTTGGGGGCATCTGCATTGGAGTTG[G>A]GGGTGCCGATGCTGTGGATGTCATGGCTGGGATCCCCTGGGAGCTGAAGTGCCCCAAGGT-3'
Protein context (NP_001089.1, residues 199-219): GGLGGICIGV[Gly209Glu]GADAVDVMAG

ClinVar aggregate classification (germline): Uncertain significance (1 of 4 stars; one submission).

Submission:

Labcorp Genetics (formerly Invitae), Labcorp
Classification: Uncertain significance. Last evaluated: 2022-06-01. Review status: criteria provided, single submitter. Criteria: Invitae Variant Classification Sherloc (09022015). Collection method: clinical testing. Allele origin: germline.
Comment: In summary, the available evidence is currently insufficient to determine the role of this variant in disease. Therefore, it has been classified as a Variant of Uncertain Significance. Advanced modeling of protein sequence and biophysical properties (such as structural, functional, and spatial information, amino acid conservation, physicochemical variation, residue mobility, and thermodynamic stability) performed at Invitae indicates that this missense variant is expected to disrupt ACO2 protein function. This variant has not been reported in the literature in individuals affected with ACO2-related conditions. This variant is not present in population databases (gnomAD no frequency). This sequence change replaces glycine, which is neutral and non-polar, with glutamic acid, which is acidic and polar, at codon 209 of the ACO2 protein (p.Gly209Glu).